The following is an entry in ClinVar:

ClinVar aggregate classification (germline): Uncertain significance (1 of 4 stars; one submission).

Allele frequency attached by ClinVar (database versions not stated): gnomAD 0.00001; gnomAD exomes 0.00001; ExAC 0.00003; TOPMed 0.00005; ESP Exome Variant Server 0.00008.
gnomAD v4.1: 20 of 1,611,306 alleles (0.0012%); highest among the groups gnomAD compares: African/African-American, 0.0053%; no homozygotes.

Submission:

Ambry Genetics
Classification: Uncertain significance. Last evaluated: 2021-06-21. Review status: criteria provided, single submitter. Criteria: Ambry Variant Classification Scheme 2023. Collection method: clinical testing. Allele origin: germline.
Comment: The p.Y962C variant (also known as c.2885A>G), located in coding exon 25 of the PRKDC gene, results from an A to G substitution at nucleotide position 2885. The tyrosine at codon 962 is replaced by cysteine, an amino acid with highly dissimilar properties. This amino acid position is conserved. In addition, the in silico prediction for this alteration is inconclusive. Since supporting evidence is limited at this time, the clinical significance of this alteration remains unclear.

NM_006904.7(PRKDC):c.2885A>G (p.Tyr962Cys)

Gene: PRKDC (protein kinase, DNA-activated, catalytic subunit; minus strand). Cytogenetic location: 8q11.21.
Variant type: single nucleotide variant.
Coding change: c.2885A>G on transcript NM_006904.7 (MANE Select); coding-DNA position 2885, A replaced by G.
Protein change: p.Tyr962Cys; replaces tyrosine 962 with cysteine.
Molecular consequence: missense variant.
Genome position (GRCh38, 1-based): chr8:47,912,459, T>C on the plus strand (A>G on the coding strand, the complement: PRKDC is on the minus strand). VCF-style: chr8-47912459-T-C. GRCh37 (hg19) VCF-style: chr8-48825019-T-C.
Other names: c.2885A>G, p.Tyr962Cys (NM_001081640.2); short protein forms Y962C.
Identifiers: ClinVar variation 1797213 (VCV001797213.2), dbSNP rs369985276, ClinGen allele CA4741343.